The following is an entry in ClinVar:

NM_031885.5(BBS2):c.1786G>C (p.Val596Leu)

Gene: BBS2 (Bardet-Biedl syndrome 2; minus strand). Cytogenetic location: 16q13.
Variant type: single nucleotide variant.
Coding change: c.1786G>C on transcript NM_031885.5 (MANE Select); coding-DNA position 1786, G replaced by C.
Protein change: p.Val596Leu; replaces valine 596 with leucine.
Molecular consequence: missense variant. On other transcripts: non-coding transcript variant (5).
Genome position (GRCh38, 1-based): chr16:56,497,754, C>G on the plus strand (G>C on the coding strand, the complement: BBS2 is on the minus strand). VCF-style: chr16-56497754-C-G. GRCh37 (hg19) VCF-style: chr16-56531666-C-G.
Other names: c.1786G>C, p.Val596Leu (NM_001377456.1); short protein forms V596L.
Identifiers: ClinVar variation 2417463 (VCV002417463.6), dbSNP rs375828912, ClinGen allele CA395975795.
Genomic context (GRCh38, chr16:56,497,754, plus strand): 5'-ATTATTAGACTACCACATTCTCACAAATGCATCTACCGCATTCCCTCACCTTAACTAGCA[C>G]CTTTCGTAATTCCTCAAAATAGACAGGAAAATCCGCTTCTACTTGAAGGTCTTCAATAGC-3'
Protein context (NP_114091.4, residues 586-606): FPVYFEELRK[Val596Leu]LVKVDEYHSV

ClinVar aggregate classification (germline): Uncertain significance (1 of 4 stars; one submission).

Conditions:
Bardet-Biedl syndrome (BBS). Identifiers: Orphanet 110, MedGen C0752166, MONDO:0015229.

Submission:

Labcorp Genetics (formerly Invitae), Labcorp
Classification: Uncertain significance for Bardet-Biedl syndrome. Last evaluated: 2022-05-03. Review status: criteria provided, single submitter. Criteria: Invitae Variant Classification Sherloc (09022015). Collection method: clinical testing. Allele origin: germline.
Comment: In summary, the available evidence is currently insufficient to determine the role of this variant in disease. Therefore, it has been classified as a Variant of Uncertain Significance. Algorithms developed to predict the effect of sequence changes on RNA splicing suggest that this variant may disrupt the consensus splice site. Algorithms developed to predict the effect of missense changes on protein structure and function (SIFT, PolyPhen-2, Align-GVGD) all suggest that this variant is likely to be tolerated. This variant has not been reported in the literature in individuals affected with BBS2-related conditions. This variant is not present in population databases (gnomAD no frequency). This sequence change replaces valine, which is neutral and non-polar, with leucine, which is neutral and non-polar, at codon 596 of the BBS2 protein (p.Val596Leu).